The following is an entry in ClinVar:

NM_016139.4(CHCHD2):c.133T>G (p.Ser45Ala)

Gene: CHCHD2 (coiled-coil-helix-coiled-coil-helix domain containing 2; minus strand). Cytogenetic location: 7p11.2.
Variant type: single nucleotide variant.
Coding change: c.133T>G on transcript NM_016139.4 (MANE Select); coding-DNA position 133, T replaced by G.
Protein change: p.Ser45Ala; replaces serine 45 with alanine.
Molecular consequence: missense variant.
Genome position (GRCh38, 1-based): chr7:56,104,393, A>C on the plus strand (T>G on the coding strand, the complement: CHCHD2 is on the minus strand). VCF-style: chr7-56104393-A-C. GRCh37 (hg19) VCF-style: chr7-56172086-A-C.
Other names: c.133T>G, p.Ser45Ala (NM_001320327.2); short protein forms S45A.
Identifiers: ClinVar variation 3778582 (VCV003778582.7).

ClinVar aggregate classification (germline): Uncertain significance (1 of 4 stars; one submission).

Submission:

CeGaT Center for Human Genetics Tuebingen
Classification: Uncertain significance. Last evaluated: 2025-03-01. Review status: criteria provided, single submitter. Criteria: CeGaT Center For Human Genetics Tuebingen Variant Classification Criteria Version 2. Collection method: clinical testing. Allele origin: germline. Affected: yes. Observed: 1 variant allele.
Comment: CHCHD2: PM2:Supporting, BP4